The following is an entry in ClinVar:

ClinVar aggregate classification (germline): Likely benign. Review status: criteria provided, multiple submitters, no conflicts (2 of 4 stars). 3 submissions from 3 submitters: Likely benign (3). Last evaluated 2025-11-24.

Conditions:
Familial colorectal cancer type X. Identifiers: Orphanet 440437, MedGen C3896578, MONDO:0018604.
Ataxia-telangiectasia syndrome (AT). Also called: Ataxia-telangiectasia, complementation group D; Cerebello-oculocutaneous telangiectasia; Immunodeficiency with ataxia telangiectasia; ATAXIA-TELANGIECTASIA, COMPLEMENTATION GROUP A; ATAXIA-TELANGIECTASIA, FRESNO VARIANT; LOUIS-BAR SYNDROME. Identifiers: Orphanet 100, MedGen C0004135, MONDO:0008840, OMIM 208900.

Submissions (3):

Labcorp Genetics (formerly Invitae), Labcorp
Classification: Likely benign for Ataxia-telangiectasia syndrome. Last evaluated: 2025-11-24. Review status: criteria provided, single submitter. Criteria: Invitae Variant Classification Sherloc (09022015). Collection method: clinical testing. Allele origin: germline.

Department of Pathology and Laboratory Medicine, Sinai Health System
Classification: Likely benign for Familial colorectal cancer type X. Last evaluated: 2021-11-16. Review status: criteria provided, single submitter. Criteria: ACMG Guidelines, 2015. Collection method: clinical testing. Allele origin: germline. Affected: yes.

GeneDx
Classification: Likely benign. Last evaluated: 2017-06-28. Review status: criteria provided, single submitter. Criteria: GeneDx Variant Classification (06012015). Collection method: clinical testing. Allele origin: germline. Affected: yes.
Comment: This variant is considered likely benign or benign based on one or more of the following criteria: it is a conservative change, it occurs at a poorly conserved position in the protein, it is predicted to be benign by multiple in silico algorithms, and/or has population frequency not consistent with disease.

NM_000051.4(ATM):c.662+13_662+14del

Gene: ATM (ATM serine/threonine kinase; plus strand). Cytogenetic location: 11q22.3.
Variant type: Microsatellite.
Coding change: c.662+13_662+14del on transcript NM_000051.4 (MANE Select); bases 13 to 14 of the intron after coding-DNA position 662, 2 bases deleted (CT; older notation c.662+13_662+14delCT).
Molecular consequence: intron variant.
Genome position (GRCh38, 1-based): chr11:108,244,131-108,244,132, CT deleted; deleting any 2 consecutive bases within chr11:108,244,128-108,244,132 gives the same sequence; the c. name uses the placement nearest the transcript's 3' end. VCF-style (leftmost placement, unchanged base first): chr11-108244127-ATC-A. GRCh37 (hg19) VCF-style: chr11-108114854-ATC-A.
Other names: c.662+13_662+14delCT (NM_000051.3); c.662+13_662+14del (NM_001351834.2).
Identifiers: ClinVar variation 421805 (VCV000421805.10), dbSNP rs1064795370, ClinGen allele CA16619099.